The following is an entry in ClinVar:

ClinVar aggregate classification (germline): Benign (1 of 4 stars; one submission).

Conditions:
Immunodeficiency 104. Also called: SCID, AUTOSOMAL RECESSIVE, T CELL-NEGATIVE, B CELL-POSITIVE, NK CELL-POSITIVE; Severe Combined Immune Deficiency, Autosomal Recessive, TCell -Negative, B Cell-Positive, NK Cell-Positive, IL7R-Related; Severe combined immunodeficiency, autosomal recessive, T cell-negative, B cell-positive, NK cell-positive; IMMUNODEFICIENCY 104, SEVERE COMBINED. Identifiers: MedGen C5676890, MONDO:0012163, OMIM 608971.

Allele frequency attached by ClinVar (database versions not stated): gnomAD exomes 0.00108; 1000 Genomes Project 0.00559; TOPMed 0.00573; gnomAD 0.00728 and 0.00780.

Submission:

Illumina Laboratory Services, Illumina
Classification: Benign for Immunodeficiency 104. Last evaluated: 2018-01-13. Review status: criteria provided, single submitter. Criteria: ICSL Variant Classification Criteria 13 December 2019. Collection method: clinical testing. Allele origin: germline.
Comment: This variant was observed in the ICSL laboratory as part of a predisposition screen in an ostensibly healthy population. It had not been previously curated by ICSL or reported in the Human Gene Mutation Database (HGMD: prior to June 1st, 2018), and was therefore a candidate for classification through an automated scoring system. Utilizing variant allele frequency, disease prevalence and penetrance estimates, and inheritance mode, an automated score was calculated to assess if this variant is too frequent to cause the disease. Based on the score and internal cut-off values, a variant classified as benign is not then subjected to further curation. The score for this variant resulted in a classification of benign for this disease.

NM_002185.5(IL7R):c.*1902C>T

Gene: IL7R (interleukin 7 receptor; plus strand). Cytogenetic location: 5p13.2.
Variant type: single nucleotide variant.
Coding change: c.*1902C>T on transcript NM_002185.5 (MANE Select); 1902 bases downstream of the stop codon, C replaced by T.
Molecular consequence: 3 prime UTR variant. On other transcripts: non-coding transcript variant (1).
Genome position (GRCh38, 1-based): chr5:35,878,388, C>T. VCF-style: chr5-35878388-C-T. GRCh37 (hg19) VCF-style: chr5-35878490-C-T.
Identifiers: ClinVar variation 353300 (VCV000353300.5), dbSNP rs187393408, ClinGen allele CA10620301.